The following is an entry in ClinVar:

ClinVar aggregate classification (germline): Uncertain significance (1 of 4 stars; one submission).

Conditions:
Neuroblastoma, susceptibility to, 3. Also called: ALK-Related Neuroblastic Tumor Susceptibility. Identifiers: Orphanet 635, MedGen C2751681, MONDO:0013083, OMIM 613014.

Submission:

Labcorp Genetics (formerly Invitae), Labcorp
Classification: Uncertain significance for Neuroblastoma, susceptibility to, 3. Last evaluated: 2023-07-24. Review status: criteria provided, single submitter. Criteria: Invitae Variant Classification Sherloc (09022015). Collection method: clinical testing. Allele origin: germline.
Comment: This sequence change replaces valine, which is neutral and non-polar, with aspartic acid, which is acidic and polar, at codon 559 of the ALK protein (p.Val559Asp). This variant is not present in population databases (gnomAD no frequency). This variant has not been reported in the literature in individuals affected with ALK-related conditions. An algorithm developed to predict the effect of missense changes on protein structure and function (PolyPhen-2) suggests that this variant is likely to be disruptive. In summary, the available evidence is currently insufficient to determine the role of this variant in disease. Therefore, it has been classified as a Variant of Uncertain Significance.

NM_004304.5(ALK):c.1676T>A (p.Val559Asp)

Gene: ALK (ALK receptor tyrosine kinase; minus strand). Cytogenetic location: 2p23.2.
Variant type: single nucleotide variant.
Coding change: c.1676T>A on transcript NM_004304.5 (MANE Select); coding-DNA position 1676, T replaced by A.
Protein change: p.Val559Asp; replaces valine 559 with aspartic acid.
Molecular consequence: missense variant.
Genome position (GRCh38, 1-based): chr2:29,297,029, A>T on the plus strand (T>A on the coding strand, the complement: ALK is on the minus strand). VCF-style: chr2-29297029-A-T. GRCh37 (hg19) VCF-style: chr2-29519895-A-T.
Other names: short protein forms V559D.
Identifiers: ClinVar variation 2882227 (VCV002882227.3), dbSNP rs2148231259, ClinGen allele CA346466603.
Genomic context (GRCh38, chr2:29,297,029, plus strand): 5'-CTGCCTTGCTCCTTCCCGGTTTTGTTCTCCACTAGCACCAAGGACACGTTTCCCCTCAAG[A>T]CTCCACGAATGAGCCAGGACATTCGGAGCTGTGAGGGCGAGAAGAGTCAGAGGACAAGGT-3'
Protein context (NP_004295.2, residues 549-569): ELRMSWLIRG[Val559Asp]LRGNVSLVLV